The following is an entry in ClinVar:

ClinVar aggregate classification (germline): Uncertain significance (1 of 4 stars; one submission).

Conditions:
Hereditary cancer-predisposing syndrome. Also called: Hereditary neoplastic syndrome; Tumor predisposition; Hereditary Cancer Syndrome; Neoplastic Syndromes, Hereditary. Identifiers: Orphanet 140162, MedGen C0027672, MeSH D009386, MONDO:0015356.

Allele frequency attached by ClinVar (database versions not stated): TOPMed below 0.00001.

Submission:

Ambry Genetics
Classification: Uncertain significance for Hereditary cancer-predisposing syndrome. Last evaluated: 2023-06-18. Review status: criteria provided, single submitter. Criteria: Ambry Variant Classification Scheme 2023. Collection method: clinical testing. Allele origin: germline.
Comment: The p.P432L variant (also known as c.1295C>T), located in coding exon 6 of the BLM gene, results from a C to T substitution at nucleotide position 1295. The proline at codon 432 is replaced by leucine, an amino acid with similar properties. This amino acid position is conserved. In addition, this alteration is predicted to be tolerated by in silico analysis. Since supporting evidence is limited at this time, the clinical significance of this alteration remains unclear.

NM_000057.4(BLM):c.1295C>T (p.Pro432Leu)

Gene: BLM (BLM RecQ like helicase; plus strand). Cytogenetic location: 15q26.1.
Variant type: single nucleotide variant.
Coding change: c.1295C>T on transcript NM_000057.4 (MANE Select); coding-DNA position 1295, C replaced by T.
Protein change: p.Pro432Leu; replaces proline 432 with leucine.
Molecular consequence: missense variant.
Genome position (GRCh38, 1-based): chr15:90,760,668, C>T. VCF-style: chr15-90760668-C-T. GRCh37 (hg19) VCF-style: chr15-91303898-C-T.
Other names: c.1295C>T, p.Pro432Leu (NM_001287246.2, NM_001287247.2); c.170C>T, p.Pro57Leu (NM_001287248.2); short protein forms P57L, P432L.
Identifiers: ClinVar variation 2586864 (VCV002586864.2), dbSNP rs1895949767, ClinGen allele CA393842753.
Genomic context (GRCh38, chr15:90,760,668, plus strand): 5'-CGGAAGTAGATTTTAATAAAAGTGATGCCAGTCTTCTTGGCTCATTGTGGAGATACAGGC[C>T]TGATTCACTTGATGGCCCTATGGAGGGTGATTCCTGCCCTACAGGGAATTCTATGAAGGA-3'
Protein context (NP_000048.1, residues 422-442): SLLGSLWRYR[Pro432Leu]DSLDGPMEGD